The following is an entry in ClinVar:

ClinVar aggregate classification (germline): Uncertain significance (1 of 4 stars; one submission).

Conditions:
Congenital myasthenic syndrome 2A. Also called: Myasthenic syndrome, congenital, 2a, slow-channel. Identifiers: Orphanet 590, MedGen C4225374, MONDO:0014581, OMIM 616313.

Submission:

Labcorp Genetics (formerly Invitae), Labcorp
Classification: Uncertain significance for Congenital myasthenic syndrome 2A. Last evaluated: 2025-04-30. Review status: criteria provided, single submitter. Criteria: Invitae Variant Classification Sherloc (09022015). Collection method: clinical testing. Allele origin: germline.
Comment: This sequence change replaces arginine, which is basic and polar, with tryptophan, which is neutral and slightly polar, at codon 434 of the CHRNB1 protein (p.Arg434Trp). This variant is not present in population databases (gnomAD no frequency). This variant has not been reported in the literature in individuals affected with CHRNB1-related conditions. Invitae Evidence Modeling of protein sequence and biophysical properties (such as structural, functional, and spatial information, amino acid conservation, physicochemical variation, residue mobility, and thermodynamic stability) indicates that this missense variant is not expected to disrupt CHRNB1 protein function with a negative predictive value of 80%. In summary, the available evidence is currently insufficient to determine the role of this variant in disease. Therefore, it has been classified as a Variant of Uncertain Significance.

NM_000747.3(CHRNB1):c.1300C>T (p.Arg434Trp)

Gene: CHRNB1 (cholinergic receptor nicotinic beta 1 subunit; plus strand). Cytogenetic location: 17p13.1.
Variant type: single nucleotide variant.
Coding change: c.1300C>T on transcript NM_000747.3 (MANE Select); coding-DNA position 1300, C replaced by T.
Protein change: p.Arg434Trp; replaces arginine 434 with tryptophan.
Molecular consequence: missense variant.
Genome position (GRCh38, 1-based): chr17:7,455,876, C>T. VCF-style: chr17-7455876-C-T. GRCh37 (hg19) VCF-style: chr17-7359195-C-T.
Other names: short protein forms R434W.
Identifiers: ClinVar variation 4798782 (VCV004798782.1).
Genomic context (GRCh38, chr17:7,455,876, plus strand): 5'-CCTGATCTGCGGCGATTTATCGATGGTCCAAACCGGGCTGTGGCCCTGCTTCCGGAGCTA[C>T]GGGAGGTCGTCTCCTCTATCAGCTACATCGCTCGACAGCTGCAGGAACAGGAGGACCACG-3'
Protein context (NP_000738.2, residues 424-444): NRAVALLPEL[Arg434Trp]EVVSSISYIA